The following is an entry in ClinVar:

ClinVar aggregate classification (germline): Uncertain significance. Review status: criteria provided, multiple submitters, no conflicts (2 of 4 stars). 3 submissions from 3 submitters: Uncertain significance (3). Last evaluated 2024-12-23.

Conditions:
Cardiovascular phenotype. Identifiers: MedGen CN230736.
Lethal congenital glycogen storage disease of heart. Also called: GLYCOGEN STORAGE DISEASE OF HEART; PHOSPHORYLASE KINASE DEFICIENCY OF HEART. Identifiers: Orphanet 439854, MedGen C1849813, MONDO:0009867, OMIM 261740.

Submissions (3):

Ambry Genetics
Classification: Uncertain significance for Cardiovascular phenotype. Last evaluated: 2024-12-23. Review status: criteria provided, single submitter. Criteria: Ambry Variant Classification Scheme 2023. Collection method: clinical testing. Allele origin: germline.
Comment: The p.A304G variant (also known as c.911C>G), located in coding exon 7 of the PRKAG2 gene, results from a C to G substitution at nucleotide position 911. The alanine at codon 304 is replaced by glycine, an amino acid with similar properties. This variant was identified in one or more individuals with features consistent with PRKAG2-related cardiac syndrome and segregated with disease in at least one family (Spentzou G et al. Pediatr Cardiol, 2020 Apr;41:843-845). This amino acid position is highly conserved in available vertebrate species. In addition, this alteration is predicted to be deleterious by in silico analysis. Based on the available evidence, the clinical significance of this variant remains unclear.

Mayo Clinic Laboratories, Mayo Clinic
Classification: Uncertain significance. Last evaluated: 2024-05-20. Review status: criteria provided, single submitter. Criteria: ACMG Guidelines, 2015. Collection method: clinical testing. Allele origin: germline. Observed: 1 variant allele.
Comment: PP3, PM2

Labcorp Genetics (formerly Invitae), Labcorp
Classification: Uncertain significance for Lethal congenital glycogen storage disease of heart. Last evaluated: 2022-09-12. Review status: criteria provided, single submitter. Criteria: Invitae Variant Classification Sherloc (09022015). Collection method: clinical testing. Allele origin: germline.
Comment: This variant is not present in population databases (gnomAD no frequency). This sequence change replaces alanine, which is neutral and non-polar, with glycine, which is neutral and non-polar, at codon 304 of the PRKAG2 protein (p.Ala304Gly). This missense change has been observed in individual(s) with PRKAG2-related conditions (PMID: 31720784). ClinVar contains an entry for this variant (Variation ID: 839643). Advanced modeling of protein sequence and biophysical properties (such as structural, functional, and spatial information, amino acid conservation, physicochemical variation, residue mobility, and thermodynamic stability) performed at Invitae indicates that this missense variant is expected to disrupt PRKAG2 protein function. Algorithms developed to predict the effect of sequence changes on RNA splicing suggest that this variant may disrupt the consensus splice site. In summary, the available evidence is currently insufficient to determine the role of this variant in disease. Therefore, it has been classified as a Variant of Uncertain Significance.

Literature cited by the submitters: PubMed 31720784 (cited by 3 submitters).

NM_016203.4(PRKAG2):c.911C>G (p.Ala304Gly)

Gene: PRKAG2 (protein kinase AMP-activated non-catalytic subunit gamma 2; minus strand). Cytogenetic location: 7q36.1.
Variant type: single nucleotide variant.
Coding change: c.911C>G on transcript NM_016203.4 (MANE Select); coding-DNA position 911, C replaced by G.
Protein change: p.Ala304Gly; replaces alanine 304 with glycine.
Molecular consequence: missense variant.
Genome position (GRCh38, 1-based): chr7:151,576,406, G>C on the plus strand (C>G on the coding strand, the complement: PRKAG2 is on the minus strand). VCF-style: chr7-151576406-G-C. GRCh37 (hg19) VCF-style: chr7-151273492-G-C.
Other names: p.Ala304Gly; c.779C>G, p.Ala260Gly (NM_001040633.2); c.536C>G, p.Ala179Gly (NM_001304527.2); c.188C>G, p.Ala63Gly (NM_001304531.2, NM_024429.2); c.539C>G, p.Ala180Gly (NM_001363698.2); short protein forms A179G, A260G, A63G, A180G, A304G.
Identifiers: ClinVar variation 839643 (VCV000839643.13), dbSNP rs1808933429, ClinGen allele CA370072438.